The following is an entry in ClinVar:

ClinVar aggregate classification (germline): Uncertain significance. Review status: criteria provided, multiple submitters, no conflicts (2 of 4 stars). 2 submissions from 2 submitters: Uncertain significance (2). Last evaluated 2022-03-17.

Conditions:
Ullrich congenital muscular dystrophy 2 (UCMD2). Identifiers: Orphanet 75840, MedGen C4225314, MONDO:0014654, OMIM 616470.
Bethlem myopathy 2 (BTHLM2). Identifiers: Orphanet 536516, Orphanet 610, MedGen C4225313, MONDO:0034022, OMIM 616471.

Submissions (2):

ARUP Laboratories, Molecular Genetics and Genomics, ARUP Laboratories
Classification: Uncertain significance. Last evaluated: 2022-03-17. Review status: criteria provided, single submitter. Criteria: ARUP Molecular Germline Variant Investigation Process 2021. Collection method: clinical testing. Allele origin: germline.

Labcorp Genetics (formerly Invitae), Labcorp
Classification: Uncertain significance for Bethlem myopathy 2; Ullrich congenital muscular dystrophy 2. Last evaluated: 2021-04-22. Review status: criteria provided, single submitter. Criteria: Invitae Variant Classification Sherloc (09022015). Collection method: clinical testing. Allele origin: germline.
Comment: This sequence change replaces valine with isoleucine at codon 2457 of the COL12A1 protein (p.Val2457Ile). The valine residue is highly conserved and there is a small physicochemical difference between valine and isoleucine. This variant is not present in population databases (ExAC no frequency). In summary, the available evidence is currently insufficient to determine the role of this variant in disease. Therefore, it has been classified as a Variant of Uncertain Significance. Algorithms developed to predict the effect of missense changes on protein structure and function (SIFT, PolyPhen-2, Align-GVGD) all suggest that this variant is likely to be disruptive, but these predictions have not been confirmed by published functional studies and their clinical significance is uncertain. This variant has not been reported in the literature in individuals with COL12A1-related conditions.

NM_004370.6(COL12A1):c.7369G>A (p.Val2457Ile)

Gene: COL12A1 (collagen type XII alpha 1 chain; minus strand). Cytogenetic location: 6q13.
Variant type: single nucleotide variant.
Coding change: c.7369G>A on transcript NM_004370.6 (MANE Select); coding-DNA position 7369, G replaced by A.
Protein change: p.Val2457Ile; replaces valine 2457 with isoleucine.
Molecular consequence: missense variant.
Genome position (GRCh38, 1-based): chr6:75,117,532, C>T on the plus strand (G>A on the coding strand, the complement: COL12A1 is on the minus strand). VCF-style: chr6-75117532-C-T. GRCh37 (hg19) VCF-style: chr6-75827248-C-T.
Other names: c.3877G>A, p.Val1293Ile (NM_080645.3); short protein forms V2457I, V1293I.
Identifiers: ClinVar variation 1523591 (VCV001523591.10), dbSNP rs2149363695, ClinGen allele CA364746691.